The following is an entry in ClinVar:

GRCh37/hg19 16q24.3(chr16:89134318-89434509)x1

Genes: ACSF3 (acyl-CoA synthetase family member 3; plus strand), ANKRD11 (ankyrin repeat domain containing 11; minus strand), CDH15 (cadherin 15; plus strand), SLC22A31 (solute carrier family 22 member 31; minus strand), ZNF778 (zinc finger protein 778; plus strand). Cytogenetic location: 16q24.3.
Variant type: copy number loss.
Change: copy number 1 (one copy instead of two) of chr16:89,134,318-89,434,509 (300.2 kb, GRCh37 coordinates, 1-based), cytogenetic band 16q24.3.
Identifiers: ClinVar variation 1807841 (VCV001807841.1).

ClinVar aggregate classification (germline): Pathogenic (1 of 4 stars; one submission).

Submission:

Quest Diagnostics Nichols Institute San Juan Capistrano
Classification: Pathogenic. Last evaluated: 2021-12-27. Review status: criteria provided, single submitter. Criteria: ACMG/ClinGen CNV Guidelines, 2019. Collection method: clinical testing. Allele origin: unknown.
Comment: The 16q24.3 deletion interval involves multiple genes including exons 3-13 of the total 13 exons of ANKRD11 gene (OMIM 611192). Haploinsufficiency of ANKRD11 gene has been associated with KBG syndrome (OMIM 148050), which is characterized by macrodontia of the upper central incisors, distinctive craniofacial findings, short stature, skeletal anomalies, and neurologic issues that includes global developmental delay, seizures, and intellectual disability (Sirmaci, et al., Am J Hum Genet. 2011 Aug 12;89(2):289-94. PMID: 21782149; Khalifa et al. Am J Med Genet A. 2013 Apr;161A(4):835-40. PMID: 23494856; Goldenberg et al. Am J Med Genet A. 2016 Nov;170(11):2847-2859. PMID: 27605097; Isrie et al.Eur J Hum Genet. 2012 Feb;20(2):131-3. PMID: 21654729; Miyatake et al. Am J Med Genet A. 2013 May;161A(5):1073-7. PMID: 23463723). Further, missense variants in CDH15 gene (OMIM 114019) have been associated with autosomal dominant intellectual disabiliyu 3 (OMIM 612580).